The following is an entry in ClinVar:

NM_000124.4(ERCC6):c.2027C>A (p.Ser676Ter)

Gene: ERCC6 (ERCC excision repair 6, chromatin remodeling factor; minus strand). Cytogenetic location: 10q11.23.
Variant type: single nucleotide variant.
Coding change: c.2027C>A on transcript NM_000124.4 (MANE Select); coding-DNA position 2027, C replaced by A.
Protein change: p.Ser676Ter; replaces serine 676 with a stop codon.
Molecular consequence: nonsense.
Genome position (GRCh38, 1-based): chr10:49,482,829, G>T on the plus strand (C>A on the coding strand, the complement: ERCC6 is on the minus strand). VCF-style: chr10-49482829-G-T. GRCh37 (hg19) VCF-style: chr10-50690875-G-T.
Other names: c.2027C>A, p.Ser676Ter (NM_001346440.2); short protein forms S676*.
Identifiers: ClinVar variation 5011235 (VCV005011235.1).

ClinVar aggregate classification (germline): Pathogenic (1 of 4 stars; one submission).

Conditions:
Cockayne spectrum with or without cerebrooculofacioskeletal syndrome. Identifiers: MedGen CN315928, MONDO:0100506.

Submission:

Myriad Genetics, Inc.
Classification: Pathogenic for Cockayne spectrum with or without cerebrooculofacioskeletal syndrome. Last evaluated: 2023-08-05. Review status: criteria provided, single submitter. Criteria: Myriad Autosomal Dominant, Autosomal Recessive and X-Linked Classification Criteria (2023). Collection method: clinical testing. Allele origin: unknown.
Comment: NM_000124.2(ERCC6):c.2027C>A(S676*) is expected to be pathogenic in the context of ERCC6-related disorders. This variant is predicted to lead to an abnormal or absent protein product due to the creation of a premature termination codon in ERCC6, a gene where loss-of-function variants are known to be pathogenic. Please note: this variant was assessed in the context of healthy population screening.